The following is an entry in ClinVar:

NM_173630.4(RTTN):c.3943_3946del (p.Met1315fs)

Gene: RTTN (rotatin; minus strand). Cytogenetic location: 18q22.2.
Variant type: Deletion.
Coding change: c.3943_3946del on transcript NM_173630.4 (MANE Select); coding-DNA positions 3943 to 3946, 4 bases deleted (ATGT; older notation c.3943_3946delATGT).
Protein change: p.Met1315fs; shifts the reading frame from methionine 1315.
Molecular consequence: frameshift variant.
Genome position (GRCh38, 1-based): chr18:70,092,762-70,092,765, ACAT deleted on the plus strand (ATGT on the coding strand, the reverse complement: RTTN is on the minus strand); deleting any 4 consecutive bases within chr18:70,092,762-70,092,766 gives the same sequence; the c. name uses the placement nearest the transcript's 3' end. VCF-style (leftmost placement, unchanged base first): chr18-70092761-GACAT-G. GRCh37 (hg19) VCF-style: chr18-67759997-GACAT-G.
Other names: c.1207_1210del, p.Met403fs (NM_001318520.2); short protein forms M403fs, M1315fs.
Identifiers: ClinVar variation 1453953 (VCV001453953.4), dbSNP rs1195644432, ClinGen allele CA630607459.

ClinVar aggregate classification (germline): Pathogenic/Likely pathogenic. Review status: criteria provided, multiple submitters, no conflicts (2 of 4 stars). 2 submissions from 2 submitters: Pathogenic (1); Likely pathogenic (1). Last evaluated 2026-01-23.

Conditions:
RTTN-related disorder. Also called: RTTN-related condition.

Submissions (2):

Labcorp Genetics (formerly Invitae), Labcorp
Classification: Pathogenic. Last evaluated: 2026-01-23. Review status: criteria provided, single submitter. Criteria: Invitae Variant Classification Sherloc (09022015). Collection method: clinical testing. Allele origin: germline.
Comment: This sequence change creates a premature translational stop signal (p.Met1315Profs*22) in the RTTN gene. It is expected to result in an absent or disrupted protein product. Loss-of-function variants in RTTN are known to be pathogenic (PMID: 26608784, 26846091). This variant is present in population databases (no rsID available, gnomAD 0.0009%). This variant has not been reported in the literature in individuals affected with RTTN-related conditions. ClinVar contains an entry for this variant (Variation ID: 1453953). For these reasons, this variant has been classified as Pathogenic.

PreventionGenetics, part of Exact Sciences
Classification: Likely pathogenic for RTTN-related condition. Last evaluated: 2023-06-07. Review status: criteria provided, single submitter. Criteria: ACMG Guidelines, 2015. Collection method: clinical testing. Allele origin: germline.
Comment: The RTTN c.3943_3946delATGT variant is predicted to result in a frameshift and premature protein termination (p.Met1315Profs*22). To our knowledge, this variant has not been reported in the literature. This variant is reported in 0.00088% of alleles in individuals of European (Non-Finnish) descent in gnomAD. Frameshift variants in RTTN are expected to be pathogenic. This variant is interpreted as likely pathogenic.

Literature cited by the submitters: PubMed 26608784 (cited by Labcorp Genetics (formerly Invitae), Labcorp); PubMed 26846091 (cited by Labcorp Genetics (formerly Invitae), Labcorp).